The following is an entry in ClinVar:

NM_006231.4(POLE):c.1389_1392dup (p.Ala465fs)

Gene: POLE (DNA polymerase epsilon, catalytic subunit; minus strand). Cytogenetic location: 12q24.33.
Variant type: Duplication.
Coding change: c.1389_1392dup on transcript NM_006231.4 (MANE Select); coding-DNA positions 1389 to 1392, 4 bases duplicated (TGTC; older notation c.1389_1392dupTGTC).
Protein change: p.Ala465fs; shifts the reading frame from alanine 465.
Molecular consequence: frameshift variant.
Genome position (GRCh38, 1-based): chr12:132,673,245-132,673,248, GACA duplicated on the plus strand (TGTC on the coding strand, the reverse complement: POLE is on the minus strand); duplicating any 4 consecutive bases within chr12:132,673,245-132,673,249 gives the same sequence; the c. name uses the placement nearest the transcript's 3' end. VCF-style (leftmost placement, unchanged base first): chr12-132673244-C-CGACA. GRCh37 (hg19) VCF-style: chr12-133249830-C-CGACA.
Other names: short protein forms A465fs.
Identifiers: ClinVar variation 4141154 (VCV004141154.1).

ClinVar aggregate classification (germline): Uncertain significance (1 of 4 stars; one submission).

Conditions:
Hereditary cancer-predisposing syndrome. Also called: Hereditary neoplastic syndrome; Neoplastic Syndromes, Hereditary; Tumor predisposition; Hereditary Cancer Syndrome. Identifiers: Orphanet 140162, MedGen C0027672, MeSH D009386, MONDO:0015356.

Submission:

Ambry Genetics
Classification: Uncertain significance for Hereditary cancer-predisposing syndrome. Last evaluated: 2025-07-31. Review status: criteria provided, single submitter. Criteria: Ambry Variant Classification Scheme 2023. Collection method: clinical testing. Allele origin: germline.
Comment: The c.1389_1392dupTGTC variant, located in coding exon 14 of the POLE gene, results from a duplication of TGTC at nucleotide position 1389, causing a translational frameshift with a predicted alternate stop codon (p.A465Cfs*39). This alteration is expected to result in loss of function by premature protein truncation or nonsense-mediated mRNA decay. Although biallelic loss of function of POLE has been associated with autosomal recessive POLE deficiency, haploinsufficiency of POLE has not been established as a mechanism of disease for POLE-related polymerase proofreading-associated polyposis (PPAP) and POLE-related CMMRD-like syndrome. Based on the supporting evidence, this variant is expected to be causative of POLE deficiency when present along with a second pathogenic variant on the other allele; however, its clinical significance for PPAP and POLE-related CMMRD-like syndrome is unclear.